The following is an entry in ClinVar:

NM_012210.4(TRIM32):c.30C>T (p.Asn10=)

Genes: ASTN2 (astrotactin 2; minus strand), TRIM32 (tripartite motif containing 32; plus strand). Cytogenetic location: 9q33.1.
Variant type: single nucleotide variant.
Coding change: c.30C>T on transcript NM_012210.4 (MANE Select); coding-DNA position 30, C replaced by T.
Protein change: p.Asn10=; no amino-acid change (asparagine 10 retained).
Molecular consequence: synonymous variant. On other transcripts: intron variant (3).
Genome position (GRCh38, 1-based): chr9:116,697,772, C>T. VCF-style: chr9-116697772-C-T. GRCh37 (hg19) VCF-style: chr9-119460051-C-T.
Other names: c.30C>T, p.Asn10= (NM_001099679.2, NM_001379048.1, NM_001379049.1 and 1 more transcripts); c.2653+27999G>A (NM_014010.5); c.2794+27999G>A (NM_001365069.1); c.2806+27999G>A (NM_001365068.1).
Identifiers: ClinVar variation 4992803 (VCV004992803.1).
Genomic context (GRCh38, chr9:116,697,772, plus strand): 5'-TGTGCTAGCAATACCCTTCAAAGGAAGAGCAATGGCTGCAGCAGCAGCTTCTCACCTGAA[C>T]CTGGATGCCCTCCGGGAAGTGCTAGAATGCCCCATCTGCATGGAGTCCTTCACAGAAGAG-3'
Protein context (NP_036342.2, residues 1-20): MAAAAASHL[Asn10=]LDALREVLEC

ClinVar aggregate classification (germline): Likely benign (1 of 4 stars; one submission).

Conditions:
TRIM32-related disorder. Also called: TRIM32-related condition.

Submission:

PreventionGenetics, part of Exact Sciences
Classification: Likely benign for TRIM32-related condition. Last evaluated: 2025-12-22. Review status: criteria provided, single submitter. Criteria: ACMG Guidelines, 2015. Collection method: clinical testing. Allele origin: germline.
Comment: This variant is classified as likely benign based on ACMG/AMP sequence variant interpretation guidelines (Richards et al. 2015 PMID: 25741868, with internal and published modifications).